The following is an entry in ClinVar:

NM_025137.4(SPG11):c.965C>T (p.Ala322Val)

Gene: SPG11 (SPG11 vesicle trafficking associated, spatacsin; minus strand). Cytogenetic location: 15q21.1.
Variant type: single nucleotide variant.
Coding change: c.965C>T on transcript NM_025137.4 (MANE Select); coding-DNA position 965, C replaced by T.
Protein change: p.Ala322Val; replaces alanine 322 with valine.
Molecular consequence: missense variant.
Genome position (GRCh38, 1-based): chr15:44,652,171, G>A on the plus strand (C>T on the coding strand, the complement: SPG11 is on the minus strand). VCF-style: chr15-44652171-G-A. GRCh37 (hg19) VCF-style: chr15-44944369-G-A.
Other names: c.965C>T, p.Ala322Val (NM_001160227.2, NM_001411132.1); short protein forms A322V.
Identifiers: ClinVar variation 1953674 (VCV001953674.5), dbSNP rs2505731405, ClinGen allele CA392236901.

ClinVar aggregate classification (germline): Uncertain significance (1 of 4 stars; one submission).

Conditions:
Hereditary spastic paraplegia 11. Also called: Spastic paraplegia, mental retardation and thin corpus callosum; Spastic Paraplegia 11; Nakamura Osame syndrome; Autosomal recessive hereditary spastic paraplegia, mental impairment, and thin corpus callosum; SPASTIC PARAPLEGIA, AUTOSOMAL RECESSIVE, COMPLICATED, WITH THIN CORPUS CALLOSUM; SPASTIC PARAPLEGIA, AUTOSOMAL RECESSIVE, WITH MENTAL IMPAIRMENT AND THIN CORPUS CALLOSUM. Identifiers: Orphanet 2822, MedGen C1858479, MONDO:0011445, OMIM 604360.

Allele frequency attached by ClinVar (database versions not stated): gnomAD exomes below 0.00001.
gnomAD v4.1: 1 of 1,614,108 alleles (0.000062%); highest among the groups gnomAD compares: Non-Finnish European, 0.000085%; no homozygotes.

Submission:

Labcorp Genetics (formerly Invitae), Labcorp
Classification: Uncertain significance for Hereditary spastic paraplegia 11. Last evaluated: 2022-03-29. Review status: criteria provided, single submitter. Criteria: Invitae Variant Classification Sherloc (09022015). Collection method: clinical testing. Allele origin: germline.
Comment: In summary, the available evidence is currently insufficient to determine the role of this variant in disease. Therefore, it has been classified as a Variant of Uncertain Significance. Algorithms developed to predict the effect of missense changes on protein structure and function output the following: SIFT: "Tolerated"; PolyPhen-2: "Benign"; Align-GVGD: "Class C0". The valine amino acid residue is found in multiple mammalian species, which suggests that this missense change does not adversely affect protein function. This sequence change replaces alanine, which is neutral and non-polar, with valine, which is neutral and non-polar, at codon 322 of the SPG11 protein (p.Ala322Val). This variant is not present in population databases (gnomAD no frequency). This variant has not been reported in the literature in individuals affected with SPG11-related conditions.